The following is an entry in ClinVar:

NM_022356.4(P3H1):c.1223+2T>G

Gene: P3H1 (prolyl 3-hydroxylase 1; minus strand). Cytogenetic location: 1p34.2.
Variant type: single nucleotide variant.
Coding change: c.1223+2T>G on transcript NM_022356.4 (MANE Select); the canonical splice donor site of the intron after coding-DNA position 1223, T replaced by G.
Molecular consequence: splice donor variant.
Genome position (GRCh38, 1-based): chr1:42,755,163, A>C on the plus strand (T>G on the coding strand, the complement: P3H1 is on the minus strand). VCF-style: chr1-42755163-A-C. GRCh37 (hg19) VCF-style: chr1-43220834-A-C.
Other names: c.1223+2T>G (NM_001146289.2, NM_001243246.2).
Identifiers: ClinVar variation 2733876 (VCV002733876.3), dbSNP rs2124122351, ClinGen allele CA339957955.

ClinVar aggregate classification (germline): Pathogenic (1 of 4 stars; one submission).

Conditions:
Osteogenesis imperfecta type 8 (OI8). Identifiers: MedGen C1970458, MONDO:0012581, OMIM 610915.

Submission:

Labcorp Genetics (formerly Invitae), Labcorp
Classification: Pathogenic for Osteogenesis imperfecta type 8. Last evaluated: 2023-06-05. Review status: criteria provided, single submitter. Criteria: Invitae Variant Classification Sherloc (09022015). Collection method: clinical testing. Allele origin: germline.
Comment: Algorithms developed to predict the effect of sequence changes on RNA splicing suggest that this variant may disrupt the consensus splice site. For these reasons, this variant has been classified as Pathogenic. Disruption of this splice site has been observed in individual(s) with osteogenesis imperfecta (PMID: 23613367). This variant is not present in population databases (gnomAD no frequency). This sequence change affects a donor splice site in intron 7 of the P3H1 gene. It is expected to disrupt RNA splicing. Variants that disrupt the donor or acceptor splice site typically lead to a loss of protein function (PMID: 16199547), and loss-of-function variants in P3H1 are known to be pathogenic (PMID: 17277775, 18566967, 19088120, 22281939).

Literature cited by the submitters: PubMed 23613367; PubMed 16199547; PubMed 17277775; PubMed 18566967; PubMed 19088120; PubMed 22281939.